The following is an entry in ClinVar:

NM_031935.3(HMCN1):c.15366C>A (p.His5122Gln)

Gene: HMCN1 (hemicentin 1; plus strand). Cytogenetic location: 1q31.1.
Variant type: single nucleotide variant.
Coding change: c.15366C>A on transcript NM_031935.3 (MANE Select); coding-DNA position 15366, C replaced by A.
Protein change: p.His5122Gln; replaces histidine 5122 with glutamine.
Molecular consequence: missense variant.
Genome position (GRCh38, 1-based): chr1:186,166,230, C>A. VCF-style: chr1-186166230-C-A. GRCh37 (hg19) VCF-style: chr1-186135362-C-A.
Other names: short protein forms H5122Q.
Identifiers: ClinVar variation 874102 (VCV000874102.9), dbSNP rs370909774, ClinGen allele CA1295232.
Genomic context (GRCh38, chr1:186,166,230, plus strand): 5'-GTTTCTTCTTTAAGATGAGGATGAATGTGCAGCAGGGAATCCCTGCTCCCATAGCTGCCA[C>A]AATGCCATGGGGACTTACTACTGCTCCTGCCCTAAAGGCCTCACCATAGCTGCAGATGGA-3'
Protein context (NP_114141.2, residues 5112-5132): AAGNPCSHSC[His5122Gln]NAMGTYYCSC

ClinVar aggregate classification (germline): Uncertain significance. Review status: criteria provided, multiple submitters, no conflicts (2 of 4 stars). 3 submissions from 3 submitters: Uncertain significance (3). Last evaluated 2025-06-18.

Conditions:
Age related macular degeneration 1 (ARMD1). Also called: MACULOPATHY, AGE-RELATED, 1. Identifiers: MedGen C1864205, MONDO:0011285, OMIM 603075.

Allele frequency attached by ClinVar (database versions not stated): gnomAD 0.00002; gnomAD exomes 0.00002 and 0.00003; TOPMed 0.00002; ExAC 0.00004; ESP Exome Variant Server 0.00008.
gnomAD v4.1: 27 of 1,613,904 alleles (0.0017%); highest among the groups gnomAD compares: Admixed American, 0.01%; no homozygotes.

Submissions (3):

Labcorp Genetics (formerly Invitae), Labcorp
Classification: Uncertain significance. Last evaluated: 2025-06-18. Review status: criteria provided, single submitter. Criteria: Invitae Variant Classification Sherloc (09022015). Collection method: clinical testing. Allele origin: germline.
Comment: This sequence change replaces histidine, which is basic and polar, with glutamine, which is neutral and polar, at codon 5122 of the HMCN1 protein (p.His5122Gln). This variant is present in population databases (rs370909774, gnomAD 0.01%). This missense change has been observed in individual(s) with retinitis pigmentosa (internal data). ClinVar contains an entry for this variant (Variation ID: 874102). An algorithm developed to predict the effect of missense changes on protein structure and function (PolyPhen-2) suggests that this variant is likely to be tolerated. In summary, the available evidence is currently insufficient to determine the role of this variant in disease. Therefore, it has been classified as a Variant of Uncertain Significance.

Genome-Nilou Lab
Classification: Uncertain significance for Age related macular degeneration 1. Last evaluated: 2023-04-11. Review status: criteria provided, single submitter. Criteria: ACMG Guidelines, 2015. Collection method: clinical testing. Allele origin: germline. Affected: no.

Illumina Laboratory Services, Illumina
Classification: Uncertain significance for Age related macular degeneration 1. Last evaluated: 2018-01-12. Review status: criteria provided, single submitter. Criteria: ICSL Variant Classification Criteria 13 December 2019. Collection method: clinical testing. Allele origin: germline.